The following is an entry in ClinVar:

ClinVar aggregate classification (germline): Uncertain significance. Review status: criteria provided, multiple submitters, no conflicts (2 of 4 stars). 2 submissions from 2 submitters: Uncertain significance (2). Last evaluated 2026-09-01.

Conditions:
Intellectual developmental disorder, autosomal dominant 45. Also called: MENTAL RETARDATION, AUTOSOMAL DOMINANT 45; Intellectual disability, autosomal dominant 45. Identifiers: MedGen C4539848, MONDO:0030910, OMIM 617600.

Submissions (2):

CeGaT Center for Human Genetics Tuebingen
Classification: Uncertain significance. Last evaluated: 2026-09-01. Review status: criteria provided, single submitter. Criteria: CeGaT Center For Human Genetics Tuebingen Variant Classification Criteria Version 2. Collection method: clinical testing. Allele origin: germline. Affected: yes. Observed: 1 variant allele.
Comment: CIC: PM2, PM4:Supporting

Fulgent Genetics
Classification: Uncertain significance for Intellectual developmental disorder, autosomal dominant 45. Last evaluated: 2024-04-19. Review status: criteria provided, single submitter. Criteria: ACMG Guidelines, 2015. Collection method: clinical testing. Allele origin: germline.

NM_001386298.1(CIC):c.4326CTC[1] (p.Ser1444del)

Gene: CIC (capicua transcriptional repressor; plus strand). Cytogenetic location: 19q13.2.
Variant type: Microsatellite.
Coding change: c.4326CTC[1] on transcript NM_001386298.1 (MANE Select); one copy of the 3-base unit CTC starting at c.4326; the reference has two copies in a row; one copy, 3 bases deleted.
Protein change: p.Ser1444del; deletes serine 1444.
Molecular consequence: inframe indel (on NM_015125.4).
Genome position (GRCh38, 1-based): chr19:42,290,370-42,290,372, CTC deleted; deleting any 3 consecutive bases within chr19:42,290,365-42,290,372 gives the same sequence; the position shown is the placement nearest the transcript's 3' end. VCF-style (leftmost placement, unchanged base first): chr19-42290364-ATCC-A. GRCh37 (hg19) VCF-style: chr19-42794516-ATCC-A.
Other names: c.4326CTC[1], p.Ser1444del (NM_001304815.2, NM_001379480.1, NM_001379482.1); c.1599CTC[1], p.Ser535del (NM_001379484.1, NM_001379485.1, NM_015125.5); c.1599_1601CTC[1], p.Ser535del (NM_015125.4); c.1602_1604del (NM_015125.4); short protein forms S1444del, S535del.
Identifiers: ClinVar variation 3583922 (VCV003583922.2).